The following is an entry in ClinVar:

ClinVar aggregate classification (germline): Uncertain significance. Review status: reviewed by expert panel (3 of 4 stars). 2 submissions from 2 submitters: Uncertain significance (1). 1 of the submissions does not count toward it. Last evaluated 2023-08-21.

Conditions:
Hereditary cancer-predisposing syndrome. Also called: Neoplastic Syndromes, Hereditary; Hereditary neoplastic syndrome; Tumor predisposition; Hereditary Cancer Syndrome. Identifiers: Orphanet 140162, MedGen C0027672, MeSH D009386, MONDO:0015356.
CDH1-related diffuse gastric and lobular breast cancer syndrome. Also called: CDH1-related diffuse gastric and lobular breast cancer. Identifiers: MedGen CN311521, MONDO:0100488.

Submissions (2):

Clingen Gastric Cancer Variant Curation Expert Panel
Classification: Uncertain significance for CDH1-related diffuse gastric and lobular breast cancer syndrome. Last evaluated: 2023-08-21. Review status: reviewed by expert panel. Criteria: ClinGen CDH1 ACMG Specifications V3.1. Collection method: curation. Allele origin: germline. Inheritance: Autosomal dominant inheritance.
Comment: The c.760G>C (p.Asp254His) variant is absent in the gnomAD cohort (PM2_Supporting). This variant has been reported in at least one family meeting HDGC clinical criteria (PS4_Supporting; internal laboratory contributor). In summary, the clinical significance of this variant is uncertain. ACMG/AMP criteria applied, as specified by the CDH1 Variant Curation Expert Panel (Variant Interpretation Guidelines Version 3.1): PM2_Supporting, PS4_Supporting.

Ambry Genetics
Classification: Uncertain significance for Hereditary cancer-predisposing syndrome. Last evaluated: 2024-05-13. Review status: criteria provided, single submitter. Criteria: Ambry Variant Classification Scheme 2023. Collection method: clinical testing. Allele origin: germline. Not counted in ClinVar's aggregate classification.
Comment: The p.D254H variant (also known as c.760G>C), located in coding exon 6 of the CDH1 gene, results from a G to C substitution at nucleotide position 760. The aspartic acid at codon 254 is replaced by histidine, an amino acid with similar properties. This amino acid position is highly conserved in available vertebrate species. In addition, this alteration is predicted to be deleterious by in silico analysis. Based on the available evidence, the clinical significance of this variant remains unclear.

NM_004360.5(CDH1):c.760G>C (p.Asp254His)

Gene: CDH1 (cadherin 1; plus strand). Cytogenetic location: 16q22.1.
Variant type: single nucleotide variant.
Coding change: c.760G>C on transcript NM_004360.5 (MANE Select); coding-DNA position 760, G replaced by C.
Protein change: p.Asp254His; replaces aspartic acid 254 with histidine.
Molecular consequence: missense variant. On other transcripts: 5 prime UTR variant (2).
Genome position (GRCh38, 1-based): chr16:68,810,269, G>C. VCF-style: chr16-68810269-G-C. GRCh37 (hg19) VCF-style: chr16-68844172-G-C.
Other names: c.760G>C (LRG_301t1); c.760G>C, p.Asp254His (NM_001317184.2); c.-856G>C (NM_001317185.2); c.-1060G>C (NM_001317186.2); short protein forms D254H.
Identifiers: ClinVar variation 599656 (VCV000599656.8), dbSNP rs1555515445, ClinGen allele CA396458612.